The following is an entry in ClinVar:

ClinVar aggregate classification (germline): Uncertain significance. Review status: criteria provided, multiple submitters, no conflicts (2 of 4 stars). 2 submissions from 2 submitters: Uncertain significance (2). Last evaluated 2024-03-13.

Conditions:
Meckel syndrome, type 5 (MKS5). Identifiers: Orphanet 564, MedGen C1969052, MONDO:0012695, OMIM 611561.
Joubert syndrome 7 (JBTS7). Identifiers: Orphanet 220497, MedGen C1969053, MONDO:0012694, OMIM 611560.
COACH syndrome 3. Identifiers: MedGen C5436841, MONDO:0030862, OMIM 619113.
Joubert syndrome. Also called: CEREBELLOPARENCHYMAL DISORDER IV; JOUBERT-BOLTSHAUSER SYNDROME; Familial aplasia of the vermis. Identifiers: Orphanet 475, MedGen C5979921, MONDO:0018772.
Meckel-Gruber syndrome. Also called: DYSENCEPHALIA SPLANCHNOCYSTICA; GRUBER SYNDROME; Dysencephalia splachnocystica. Identifiers: Orphanet 564, MedGen C0265215, MONDO:0018921.

Allele frequency attached by ClinVar (database versions not stated): TOPMed below 0.00001; gnomAD 0.00001.
gnomAD v4.1: 2 of 1,578,108 alleles (0.00013%); highest among the groups gnomAD compares: East Asian, 0.0022%; no homozygotes.

Submissions (2):

Fulgent Genetics
Classification: Uncertain significance for Joubert syndrome 7; Meckel syndrome, type 5; COACH syndrome 3. Last evaluated: 2024-03-13. Review status: criteria provided, single submitter. Criteria: ACMG Guidelines, 2015. Collection method: clinical testing. Allele origin: germline.

Labcorp Genetics (formerly Invitae), Labcorp
Classification: Uncertain significance for Joubert syndrome; Meckel-Gruber syndrome. Last evaluated: 2022-08-23. Review status: criteria provided, single submitter. Criteria: Invitae Variant Classification Sherloc (09022015). Collection method: clinical testing. Allele origin: germline.
Comment: This variant is not present in population databases (gnomAD no frequency). This sequence change falls in intron 14 of the RPGRIP1L gene. It does not directly change the encoded amino acid sequence of the RPGRIP1L protein. It affects a nucleotide within the consensus splice site. In summary, the available evidence is currently insufficient to determine the role of this variant in disease. Therefore, it has been classified as a Variant of Uncertain Significance. Variants that disrupt the consensus splice site are a relatively common cause of aberrant splicing (PMID: 17576681, 9536098). Algorithms developed to predict the effect of sequence changes on RNA splicing suggest that this variant may create or strengthen a splice site. This variant has not been reported in the literature in individuals affected with RPGRIP1L-related conditions.

Literature cited by the submitters: PubMed 17576681 (cited by Labcorp Genetics (formerly Invitae), Labcorp); PubMed 9536098 (cited by Labcorp Genetics (formerly Invitae), Labcorp).

NM_015272.5(RPGRIP1L):c.1699+4C>G

Gene: RPGRIP1L (RPGRIP1 like; minus strand). Cytogenetic location: 16q12.2.
Variant type: single nucleotide variant.
Coding change: c.1699+4C>G on transcript NM_015272.5 (MANE Select); 4 bases into the intron after coding-DNA position 1699, C replaced by G.
Molecular consequence: intron variant.
Genome position (GRCh38, 1-based): chr16:53,656,468, G>C on the plus strand (C>G on the coding strand, the complement: RPGRIP1L is on the minus strand). VCF-style: chr16-53656468-G-C. GRCh37 (hg19) VCF-style: chr16-53690380-G-C.
Other names: c.1699+4C>G (NM_001127897.4, NM_001330538.2, NM_001308334.3).
Identifiers: ClinVar variation 2162670 (VCV002162670.5), dbSNP rs1428961251, ClinGen allele CA721641694.